The following is an entry in ClinVar:

NM_002386.4(MC1R):c.316C>G (p.Leu106Val)

Gene: MC1R (melanocortin 1 receptor; plus strand). Cytogenetic location: 16q24.3.
Variant type: single nucleotide variant.
Coding change: c.316C>G on transcript NM_002386.4 (MANE Select); coding-DNA position 316, C replaced by G.
Protein change: p.Leu106Val; replaces leucine 106 with valine.
Molecular consequence: missense variant.
Genome position (GRCh38, 1-based): chr16:89,919,574, C>G. VCF-style: chr16-89919574-C-G. GRCh37 (hg19) VCF-style: chr16-89985982-C-G.
Other names: short protein forms L106V.
Identifiers: ClinVar variation 3871057 (VCV003871057.1).

ClinVar aggregate classification (germline): Uncertain significance (1 of 4 stars; one submission).

Submission:

Ambry Genetics
Classification: Uncertain significance. Last evaluated: 2024-12-14. Review status: criteria provided, single submitter. Criteria: Ambry Variant Classification Scheme 2023. Collection method: clinical testing. Allele origin: germline.
Comment: The p.L106V variant (also known as c.316C>G), located in coding exon 1 of the MC1R gene, results from a C to G substitution at nucleotide position 316. The leucine at codon 106 is replaced by valine, an amino acid with highly similar properties. This amino acid position is conserved. In addition, this alteration is predicted to be tolerated by in silico analysis. Based on the available evidence, the clinical significance of this variant remains unclear.